The following is an entry in ClinVar:

NM_001374736.1(DST):c.5083A>G (p.Lys1695Glu)

Gene: DST (dystonin; minus strand). Cytogenetic location: 6p12.1.
Variant type: single nucleotide variant.
Coding change: c.5083A>G on transcript NM_001374736.1 (MANE Select); coding-DNA position 5083, A replaced by G.
Protein change: p.Lys1695Glu; replaces lysine 1695 with glutamic acid.
Molecular consequence: missense variant.
Genome position (GRCh38, 1-based): chr6:56,611,572, T>C on the plus strand (A>G on the coding strand, the complement: DST is on the minus strand). VCF-style: chr6-56611572-T-C. GRCh37 (hg19) VCF-style: chr6-56476370-T-C.
Other names: c.4984A>G, p.Lys1662Glu (NM_001144769.5); c.4570A>G, p.Lys1524Glu (NM_001144770.2); c.5083A>G, p.Lys1695Glu (NM_001374722.1); c.4450A>G, p.Lys1484Glu (NM_001374729.1, NM_001374730.1, NM_183380.4); c.5110A>G, p.Lys1704Glu (NM_001374734.1); c.3472A>G, p.Lys1158Glu (NM_015548.5); short protein forms K1524E, K1704E, K1158E, K1484E, K1662E, K1695E.
Identifiers: ClinVar variation 966503 (VCV000966503.8), dbSNP rs1447313948, ClinGen allele CA364561521.

ClinVar aggregate classification (germline): Uncertain significance (1 of 4 stars; one submission).

Conditions:
Hereditary sensory and autonomic neuropathy type 6. Also called: Neuropathy, hereditary sensory and autonomic, type VI; HSAN VI. Identifiers: Orphanet 314381, MedGen C3539003, MONDO:0013839, OMIM 614653.
Epidermolysis bullosa simplex 3, localized or generalized intermediate, with BP230 deficiency (EBS3). Also called: Epidermolysis bullosa simplex, autosomal recessive 2; Epidermolysis bullosa simplex due to BP230 deficiency. Identifiers: Orphanet 412181, MedGen C3809470, MONDO:0014180, OMIM 615425.

Allele frequency attached by ClinVar (database versions not stated): gnomAD exomes 0.00001.
gnomAD v4.1: 3 of 1,612,820 alleles (0.00019%); highest among the groups gnomAD compares: Admixed American, 0.0033%; no homozygotes.

Submission:

Labcorp Genetics (formerly Invitae), Labcorp
Classification: Uncertain significance for Epidermolysis bullosa simplex 3, localized or generalized intermediate, with BP230 deficiency; Hereditary sensory and autonomic neuropathy type 6. Last evaluated: 2019-12-29. Review status: criteria provided, single submitter. Criteria: Invitae Variant Classification Sherloc (09022015). Collection method: clinical testing. Allele origin: germline.
Comment: In summary, the available evidence is currently insufficient to determine the role of this variant in disease. Therefore, it has been classified as a Variant of Uncertain Significance. Experimental studies and prediction algorithms are not available or were not evaluated, and the functional significance of this variant is currently unknown. This variant has not been reported in the literature in individuals with DST-related conditions. This variant is not present in population databases (ExAC no frequency). This sequence change replaces lysine with glutamic acid at codon 1158 of the DST protein (p.Lys1158Glu). The lysine residue is weakly conserved and there is a small physicochemical difference between the two amino acids. The DST gene has multiple clinically relevant transcripts. This variant occurs in alternate transcript NM_015548.4, and corresponds to NM_001723.5:c.*3945A>G in the primary transcript.